The following is an entry in ClinVar:

ClinVar aggregate classification (germline): Likely benign. Review status: criteria provided, multiple submitters, no conflicts (2 of 4 stars). 2 submissions from 2 submitters: Likely benign (2). Last evaluated 2025-08-07.

Conditions:
IFT172-related disorder. Also called: IFT172-related condition; IFT172-related disorders.
Short-rib thoracic dysplasia 10 with or without polydactyly (SRTD10). Identifiers: Orphanet 474, MedGen C3810175, MONDO:0014284, OMIM 615630.
Retinitis pigmentosa 71 (RP71). Identifiers: Orphanet 791, MedGen C4225342, MONDO:0014618, OMIM 616394.

Submissions (2):

PreventionGenetics, part of Exact Sciences
Classification: Likely benign for IFT172-related condition. Last evaluated: 2025-08-07. Review status: criteria provided, single submitter. Criteria: ACMG Guidelines, 2015. Collection method: clinical testing. Allele origin: germline.
Comment: This variant is classified as likely benign based on ACMG/AMP sequence variant interpretation guidelines (Richards et al. 2015 PMID: 25741868, with internal and published modifications).

Labcorp Genetics (formerly Invitae), Labcorp
Classification: Likely benign for Retinitis pigmentosa 71; Short-rib thoracic dysplasia 10 with or without polydactyly. Last evaluated: 2024-11-02. Review status: criteria provided, single submitter. Criteria: Invitae Variant Classification Sherloc (09022015). Collection method: clinical testing. Allele origin: germline.

NM_015662.3(IFT172):c.3600C>G (p.Ala1200=)

Genes: IFT172 (intraflagellar transport 172; minus strand), LOC126806173 (BRD4-independent group 4 enhancer GRCh37_chr2:27676057-27677256; plus strand). Cytogenetic location: 2p23.3.
Variant type: single nucleotide variant.
Coding change: c.3600C>G on transcript NM_015662.3 (MANE Select); coding-DNA position 3600, C replaced by G.
Protein change: p.Ala1200=; no amino-acid change (alanine 1200 retained).
Molecular consequence: synonymous variant.
Genome position (GRCh38, 1-based): chr2:27,454,093, G>C on the plus strand (C>G on the coding strand, the complement: IFT172 is on the minus strand). VCF-style: chr2-27454093-G-C. GRCh37 (hg19) VCF-style: chr2-27676960-G-C.
Other names: c.3534C>G, p.Ala1178= (NM_001410739.1); c.3600C>G (NM_015662.2).
Identifiers: ClinVar variation 3759669 (VCV003759669.3).